The following is an entry in ClinVar:

NM_001365276.2(TNXB):c.8141C>T (p.Thr2714Met)

Gene: TNXB (tenascin XB; minus strand). Cytogenetic location: 6p21.33.
Variant type: single nucleotide variant.
Coding change: c.8141C>T on transcript NM_001365276.2 (MANE Select); coding-DNA position 8141, C replaced by T.
Protein change: p.Thr2714Met; replaces threonine 2714 with methionine.
Molecular consequence: missense variant.
Genome position (GRCh38, 1-based): chr6:32,056,588, G>A on the plus strand (C>T on the coding strand, the complement: TNXB is on the minus strand). VCF-style: chr6-32056588-G-A. GRCh37 (hg19) VCF-style: chr6-32024365-G-A.
Other names: c.8141C>T, p.Thr2714Met (NM_019105.8); short protein forms T2714M.
Identifiers: ClinVar variation 1702350 (VCV001702350.28), dbSNP rs1192872355, ClinGen allele CA363549652.

ClinVar aggregate classification (germline): Uncertain significance. Review status: criteria provided, multiple submitters, no conflicts (2 of 4 stars). 4 submissions from 4 submitters: Uncertain significance (4). Last evaluated 2025-12-26.

Conditions:
Ehlers-Danlos syndrome (EDS). Identifiers: Orphanet 98249, MedGen C0013720, MONDO:0020066.
Cardiovascular phenotype. Identifiers: MedGen CN230736.

Allele frequency attached by ClinVar (database versions not stated): gnomAD exomes 0.00002; TOPMed 0.00003; gnomAD 0.00004 and 0.00005.
gnomAD v4.1: 47 of 1,612,684 alleles (0.0029%); highest among the groups gnomAD compares: South Asian, 0.0055%; no homozygotes.

Submissions (4):

GeneDx
Classification: Uncertain significance. Last evaluated: 2025-12-26. Review status: criteria provided, single submitter. Criteria: GeneDx Variant Classification Process June 2021. Collection method: clinical testing. Allele origin: germline. Affected: yes.
Comment: Has not been previously published as pathogenic or benign to our knowledge; In silico analysis supports that this missense variant has a deleterious effect on protein structure/function

CeGaT Center for Human Genetics Tuebingen
Classification: Uncertain significance. Last evaluated: 2025-09-01. Review status: criteria provided, single submitter. Criteria: CeGaT Center For Human Genetics Tuebingen Variant Classification Criteria Version 2. Collection method: clinical testing. Allele origin: germline. Affected: yes. Observed: 2 variant alleles.
Comment: TNXB: PM2

Ambry Genetics
Classification: Uncertain significance for Cardiovascular phenotype. Last evaluated: 2025-05-14. Review status: criteria provided, single submitter. Criteria: Ambry Variant Classification Scheme 2023. Collection method: clinical testing. Allele origin: germline.
Comment: The p.T2714M variant (also known as c.8141C>T), located in coding exon 22 of the TNXB gene, results from a C to T substitution at nucleotide position 8141. The threonine at codon 2714 is replaced by methionine, an amino acid with similar properties. This amino acid position is conserved. In addition, this alteration is predicted to be tolerated by in silico analysis. Since supporting evidence is limited at this time, the clinical significance of this alteration remains unclear.

Genome Diagnostics Laboratory, The Hospital for Sick Children
Classification: Uncertain significance for Ehlers-Danlos syndrome. Last evaluated: 2020-09-25. Review status: criteria provided, single submitter. Criteria: ACMG Guidelines, 2015. Collection method: clinical testing. Allele origin: germline.